The following is an entry in ClinVar:

NM_007254.4(PNKP):c.936+13dup

Gene: PNKP (polynucleotide kinase 3'-phosphatase; minus strand). Cytogenetic location: 19q13.33.
Variant type: Duplication.
Coding change: c.936+13dup on transcript NM_007254.4 (MANE Select); 13 bases into the intron after coding-DNA position 936, one base duplicated (C; older notation c.936+13dupC).
Molecular consequence: intron variant.
Genome position (GRCh38, 1-based): chr19:49,862,521, G duplicated on the plus strand (C on the coding strand, the reverse complement: PNKP is on the minus strand); the first of 5 consecutive G bases (chr19:49,862,521-49,862,525); duplicating any one gives the same sequence. VCF-style (leftmost placement, unchanged base first): chr19-49862520-A-AG. GRCh37 (hg19) VCF-style: chr19-50365777-A-AG.
Other names: c.936+17dupC (NM_007254.2).
Identifiers: ClinVar variation 206371 (VCV000206371.16), dbSNP rs3739200, ClinGen allele CA316430.

ClinVar aggregate classification (germline): Conflicting classifications of pathogenicity. Review status: criteria provided, conflicting classifications (1 of 4 stars). 4 submissions from 3 submitters: Uncertain significance (1); Benign (2). 1 of the submissions does not count toward it. Last evaluated 2026-02-03.

Conditions:
Developmental and epileptic encephalopathy, 12 (DEE12). Identifiers: MedGen C3150988, MONDO:0013389, OMIM 613722.

Submissions (4):

Labcorp Genetics (formerly Invitae), Labcorp
Classification: Benign for Developmental and epileptic encephalopathy, 12. Last evaluated: 2026-02-03. Review status: criteria provided, single submitter. Criteria: Invitae Variant Classification Sherloc (09022015). Collection method: clinical testing. Allele origin: germline.

GeneDx
Classification: Benign. Last evaluated: 2015-03-03. Review status: criteria provided, single submitter. Criteria: GeneDx Variant Classification Process June 2021. Collection method: clinical testing. Allele origin: germline. Affected: yes.

Genetic Services Laboratory, University of Chicago
Classification: Uncertain significance. Last evaluated: 2013-02-08. Review status: criteria provided, single submitter. Criteria: ACMG Guidelines, 2007. Collection method: clinical testing. Allele origin: germline.

GeneDx
Classification: Benign. Last evaluated: 2015-03-19. Review status: flagged submission. Criteria: GeneDx Variant Classification (06012015). Collection method: clinical testing. Allele origin: germline. Affected: yes. Not counted in ClinVar's aggregate classification.
Comment: This variant is considered likely benign or benign based on one or more of the following criteria: it is a conservative change, it occurs at a poorly conserved position in the protein, it is predicted to be benign by multiple in silico algorithms, and/or has population frequency not consistent with disease.
ClinVar note: Reason: This record appears to be redundant with a more recent record from the same submitter.
ClinVar note: Notes: SCV000242024 appears to be redundant with SCV001884484.